The following is an entry in ClinVar:

ClinVar aggregate classification (germline): Uncertain significance (1 of 4 stars; one submission).

Conditions:
Periventricular heterotopia with microcephaly, autosomal recessive (ARPHM). Also called: PERIVENTRICULAR NODULAR HETEROTOPIA 2; Periventricular heterotopia with microcephaly. Identifiers: Orphanet 2149, MedGen C1842563, MONDO:0011966, OMIM 608097.

gnomAD v4.1: 1 of 1,614,226 alleles (0.000062%); highest among the groups gnomAD compares: East Asian, 0.0022%; no homozygotes.

Submission:

Juno Genomics, Hangzhou Juno Genomics, Inc
Classification: Uncertain significance for Periventricular heterotopia with microcephaly, autosomal recessive. Review status: criteria provided, single submitter. Criteria: ACMG Guidelines, 2015. Collection method: clinical testing. Allele origin: germline.
Comment: Absent from controls (or at extremely low frequency if recessive) in Genome Aggregation Database.;Missense variant in a gene that has a low rate of benign missense variation.

NM_006420.3(ARFGEF2):c.440T>C (p.Val147Ala)

Gene: ARFGEF2 (ARF guanine nucleotide exchange factor 2; plus strand). Cytogenetic location: 20q13.13.
Variant type: single nucleotide variant.
Coding change: c.440T>C on transcript NM_006420.3 (MANE Select); coding-DNA position 440, T replaced by C.
Protein change: p.Val147Ala; replaces valine 147 with alanine.
Molecular consequence: missense variant.
Genome position (GRCh38, 1-based): chr20:48,952,721, T>C. VCF-style: chr20-48952721-T-C. GRCh37 (hg19) VCF-style: chr20-47569258-T-C.
Other names: c.440T>C, p.Val147Ala (NM_001410846.1); short protein forms V147A.
Identifiers: ClinVar variation 5019227 (VCV005019227.2).